The following is an entry in ClinVar:

ClinVar aggregate classification (germline): Uncertain significance (1 of 4 stars; one submission).

gnomAD v4.1: 10 of 765,196 alleles (0.0013%); highest among the groups gnomAD compares: Admixed American, 0.0068%; no homozygotes.

Submission:

Labcorp Genetics (formerly Invitae), Labcorp
Classification: Uncertain significance. Last evaluated: 2023-05-22. Review status: criteria provided, single submitter. Criteria: Invitae Variant Classification Sherloc (09022015). Collection method: clinical testing. Allele origin: germline.
Comment: In summary, the available evidence is currently insufficient to determine the role of this variant in disease. Therefore, it has been classified as a Variant of Uncertain Significance. This variant disrupts the c.82A nucleotide in the SNORD118 gene. Other variant(s) that disrupt this nucleotide have been determined to be pathogenic (PMID: 27571260, 29970281, 29996189). This suggests that this nucleotide is clinically significant, and that variants that disrupt this position are likely to be disease-causing. ClinVar contains an entry for this variant (Variation ID: 1946852). This variant has not been reported in the literature in individuals affected with SNORD118-related conditions. This variant is present in population databases (rs779456932, gnomAD 0.01%). This variant occurs in the SNORD118 gene, which encodes an RNA molecule that does not result in a protein product.

Literature cited by the submitters: PubMed 27571260; PubMed 29970281; PubMed 29996189.

NR_033294.2(SNORD118):n.82A>C

Genes: SNORD118 (small nucleolar RNA, C/D box 118; minus strand), TMEM107 (transmembrane protein 107; minus strand). Cytogenetic location: 17p13.1.
Variant type: single nucleotide variant.
Molecular consequence: non-coding transcript variant (on NR_033294.2). On other transcripts: 3 prime UTR variant (5).
Genome position: GRCh38 VCF-style: chr17-8173507-T-G. GRCh37 (hg19) VCF-style: chr17-8076825-T-G.
Other names: c.*696A>C (NM_001351278.2, NM_001351279.2, NM_001351280.2 and 2 more transcripts).
Identifiers: ClinVar variation 1946852 (VCV001946852.5), dbSNP rs779456932, ClinGen allele CA8370664.